The following is an entry in ClinVar:

NM_005732.4(RAD50):c.269A>G (p.Asn90Ser)

Gene: RAD50 (RAD50 double strand break repair protein; plus strand). Cytogenetic location: 5q31.1.
Variant type: single nucleotide variant.
Coding change: c.269A>G on transcript NM_005732.4 (MANE Select); coding-DNA position 269, A replaced by G.
Protein change: p.Asn90Ser; replaces asparagine 90 with serine.
Molecular consequence: missense variant.
Genome position (GRCh38, 1-based): chr5:132,575,832, A>G. VCF-style: chr5-132575832-A-G. GRCh37 (hg19) VCF-style: chr5-131911524-A-G.
Other names: short protein forms N90S.
Identifiers: ClinVar variation 232675 (VCV000232675.14), dbSNP rs876659915, ClinGen allele CA10578482.

ClinVar aggregate classification (germline): Conflicting classifications of pathogenicity. Review status: criteria provided, conflicting classifications (1 of 4 stars). 3 submissions from 3 submitters: Uncertain significance (2); Likely benign (1). Last evaluated 2025-08-20.

Conditions:
Nijmegen breakage syndrome-like disorder (NBSLD). Also called: MICROCEPHALY AND SPONTANEOUS CHROMOSOME INSTABILITY WITHOUT IMMUNODEFICIENCY; NBS-LIKE DISORDER; RAD50 DEFICIENCY. Identifiers: Orphanet 240760, MedGen C2751318, MONDO:0013118, OMIM 613078.
Hereditary cancer-predisposing syndrome. Also called: Neoplastic Syndromes, Hereditary; Tumor predisposition; Hereditary Cancer Syndrome; Hereditary neoplastic syndrome. Identifiers: Orphanet 140162, MedGen C0027672, MeSH D009386, MONDO:0015356.

Allele frequency attached by ClinVar (database versions not stated): TOPMed below 0.00001; gnomAD 0.00001; gnomAD exomes 0.00001.

Submissions (3):

Labcorp Genetics (formerly Invitae), Labcorp
Classification: Uncertain significance for Hereditary cancer-predisposing syndrome. Last evaluated: 2025-08-20. Review status: criteria provided, single submitter. Criteria: Invitae Variant Classification Sherloc (09022015). Collection method: clinical testing. Allele origin: germline.
Comment: This sequence change replaces asparagine, which is neutral and polar, with serine, which is neutral and polar, at codon 90 of the RAD50 protein (p.Asn90Ser). This variant is not present in population databases (gnomAD no frequency). This missense change has been observed in individual(s) with head and neck squamous cell carcinoma (PMID: 34598035). ClinVar contains an entry for this variant (Variation ID: 232675). Invitae Evidence Modeling of protein sequence and biophysical properties (such as structural, functional, and spatial information, amino acid conservation, physicochemical variation, residue mobility, and thermodynamic stability) indicates that this missense variant is not expected to disrupt RAD50 protein function with a negative predictive value of 80%. RNA analysis performed to evaluate the impact of this missense change on mRNA splicing indicates it does not significantly alter splicing (internal data). In summary, the available evidence is currently insufficient to determine the role of this variant in disease. Therefore, it has been classified as a Variant of Uncertain Significance.

Ambry Genetics
Classification: Likely benign for Hereditary cancer-predisposing syndrome. Last evaluated: 2024-03-21. Review status: criteria provided, single submitter. Criteria: Ambry Variant Classification Scheme 2023. Collection method: clinical testing. Allele origin: germline.

Baylor Genetics
Classification: Uncertain significance for Nijmegen breakage syndrome-like disorder. Last evaluated: 2024-03-19. Review status: criteria provided, single submitter. Criteria: ACMG Guidelines, 2015. Collection method: clinical testing. Allele origin: unknown.

Literature cited by the submitters: PubMed 34598035 (cited by Labcorp Genetics (formerly Invitae), Labcorp); PubMed 33471991 (cited by Ambry Genetics).